The following is an entry in ClinVar:

NM_001376.5(DYNC1H1):c.1181A>G (p.Lys394Arg)

Gene: DYNC1H1 (dynein cytoplasmic 1 heavy chain 1; plus strand). Cytogenetic location: 14q32.31.
Variant type: single nucleotide variant.
Coding change: c.1181A>G on transcript NM_001376.5 (MANE Select); coding-DNA position 1181, A replaced by G.
Protein change: p.Lys394Arg; replaces lysine 394 with arginine.
Molecular consequence: missense variant.
Genome position (GRCh38, 1-based): chr14:101,983,238, A>G. VCF-style: chr14-101983238-A-G. GRCh37 (hg19) VCF-style: chr14-102449575-A-G.
Other names: short protein forms K394R.
Identifiers: ClinVar variation 3692628 (VCV003692628.2).

ClinVar aggregate classification (germline): Uncertain significance (1 of 4 stars; one submission).

Conditions:
Charcot-Marie-Tooth disease axonal type 2O. Also called: Charcot-Marie-Tooth disease, axonal, type 20; CHARCOT-MARIE-TOOTH NEUROPATHY, AXONAL, TYPE 2O; CHARCOT-MARIE-TOOTH DISEASE, AXONAL, AUTOSOMAL DOMINANT, TYPE 2O; Charcot-Marie-Tooth Neuropathy Type 2O. Identifiers: Orphanet 284232, MedGen C3280220, MONDO:0013644, OMIM 614228.

Submission:

Labcorp Genetics (formerly Invitae), Labcorp
Classification: Uncertain significance for Charcot-Marie-Tooth disease axonal type 2O. Last evaluated: 2024-03-20. Review status: criteria provided, single submitter. Criteria: Invitae Variant Classification Sherloc (09022015). Collection method: clinical testing. Allele origin: germline.
Comment: This sequence change replaces lysine, which is basic and polar, with arginine, which is basic and polar, at codon 394 of the DYNC1H1 protein (p.Lys394Arg). This variant is not present in population databases (gnomAD no frequency). This variant has not been reported in the literature in individuals affected with DYNC1H1-related conditions. Advanced modeling of protein sequence and biophysical properties (such as structural, functional, and spatial information, amino acid conservation, physicochemical variation, residue mobility, and thermodynamic stability) has been performed at Invitae for this missense variant, however the output from this modeling did not meet the statistical confidence thresholds required to predict the impact of this variant on DYNC1H1 protein function. In summary, the available evidence is currently insufficient to determine the role of this variant in disease. Therefore, it has been classified as a Variant of Uncertain Significance.